The following continues an entry in ClinVar:

NM_000059.4(BRCA2):c.5796_5797del (p.His1932fs)

Gene: BRCA2. ClinVar aggregate classification (germline): Pathogenic. Pathogenic (1).

Submissions 12 to 17 of 17:

Counsyl
Classification: Pathogenic for Breast-ovarian cancer, familial, susceptibility to, 2. Last evaluated: 2016-09-13. Review status: no assertion criteria provided. Collection method: clinical testing. Allele origin: unknown. Not counted in ClinVar's aggregate classification.

Research Molecular Genetics Laboratory, Women's College Hospital, University of Toronto
Classification: Pathogenic for Hereditary breast ovarian cancer syndrome. Last evaluated: 2014-01-31. Review status: no assertion criteria provided. Collection method: research. Allele origin: germline. Affected: yes. Study: The Canadian Open Genetics Repository (COGR). Not counted in ClinVar's aggregate classification.

Breast Cancer Information Core (BIC) (BRCA2)
Classification: Pathogenic for Breast-ovarian cancer, familial 2. Last evaluated: 2002-05-29. Review status: no assertion criteria provided. Collection method: clinical testing. Allele origin: germline. Affected: yes. Observed: 9 variant alleles. Not counted in ClinVar's aggregate classification.

Department of Pathology and Laboratory Medicine, Sinai Health System
Classification: Pathogenic for Malignant tumor of breast. Review status: no assertion criteria provided. Collection method: clinical testing. Allele origin: unknown. Affected: yes. Study: The Canadian Open Genetics Repository (COGR). Not counted in ClinVar's aggregate classification.
Comment: The BRCA2 p.His1932Glnfs*12 variant was identified in 8 of 10676 proband chromosomes (frequency: 0.0007) from Italian, American, British, Latin American, Caribbean and Greek individuals or families with breast, ovarian, or pancreatic cancer (Sambiasi 2012, Ramus 2007, Ghiorzo 2012, Dutil 2015, Armakolas 2001). The variant was also identified in dbSNP (ID: rs1263168799) as â€šÃ„ÃºNAâ€šÃ„Ã¹, ClinVar (classified pathogenic, reviewed by an expert panel in 2016; submitters: ENIGMA, Invitae, Ambry Genetics, CIMBA, BIC and 6 other laboratories), LOVD 3.0, and UMD-LSDB (13x as 5-causal). The variant was not identified in the following control databases: the Exome Aggregation Consortium (August 8th 2016), or the Genome Aggregation Database (Feb 27, 2017). The c.5796_5797del variant is predicted to cause a frameshift which alters the protein's amino acid sequence beginning at codon 1932 and leads to a premature stop codon 13 codons downstream. This alteration is then predicted to result in a truncated or absent protein and loss of function. Loss of function variants of the BRCA2 gene are an established mechanism of disease in hereditary breast and ovarian cancer and is the type of variant expected to cause the disorder. In summary, based on the above information this variant meets our laboratoryâ€šÃ„Ã´s criteria to be classified as pathogenic

Diagnostic Laboratory, Department of Genetics, University Medical Center Groningen
Classification: Pathogenic. Review status: no assertion criteria provided. Collection method: clinical testing. Allele origin: germline. Affected: yes. Study: VKGL Data-share Consensus. Not counted in ClinVar's aggregate classification.

Laboratory of Diagnostic Genome Analysis, Leiden University Medical Center (LUMC)
Classification: Pathogenic. Review status: no assertion criteria provided. Collection method: clinical testing. Allele origin: germline. Affected: yes. Study: VKGL Data-share Consensus. Not counted in ClinVar's aggregate classification.

Literature cited by the submitters: PubMed 23096355 (cited by 4 submitters); PubMed 17688236 (cited by Women's Health and Genetics/Laboratory Corporation of America, LabCorp and Color Diagnostics, LLC DBA Color Health); PubMed 24737347 (cited by Women's Health and Genetics/Laboratory Corporation of America, LabCorp and Labcorp Genetics (formerly Invitae), Labcorp); PubMed 22072316 (cited by Women's Health and Genetics/Laboratory Corporation of America, LabCorp and Color Diagnostics, LLC DBA Color Health); PubMed 18694767 (cited by Women's Health and Genetics/Laboratory Corporation of America, LabCorp); PubMed 11754111 (cited by 3 submitters); PubMed 16162645 (cited by Women's Health and Genetics/Laboratory Corporation of America, LabCorp); PubMed 16047344 (cited by Women's Health and Genetics/Laboratory Corporation of America, LabCorp and Labcorp Genetics (formerly Invitae), Labcorp); PubMed 20104584 (cited by Labcorp Genetics (formerly Invitae), Labcorp); PubMed 15733268 (cited by Labcorp Genetics (formerly Invitae), Labcorp); PubMed 19619314 (cited by Labcorp Genetics (formerly Invitae), Labcorp and Color Diagnostics, LLC DBA Color Health); PubMed 21989927 (cited by 3 submitters); PubMed 24145998 (cited by 3 submitters); PubMed 25395318 (cited by 3 submitters); PubMed 10660329 (cited by Ambry Genetics); PubMed 20730485 (cited by Ambry Genetics); PubMed 26564481 (cited by Color Diagnostics, LLC DBA Color Health).